The following is an entry in ClinVar:

NM_007294.4(BRCA1):c.4297A>C (p.Ile1433Leu)

Gene: BRCA1 (BRCA1 DNA repair associated; minus strand). Cytogenetic location: 17q21.31.
Variant type: single nucleotide variant.
Coding change: c.4297A>C on transcript NM_007294.4 (MANE Select); coding-DNA position 4297, A replaced by C.
Protein change: p.Ile1433Leu; replaces isoleucine 1433 with leucine.
Molecular consequence: missense variant.
Genome position (GRCh38, 1-based): chr17:43,082,464, T>G on the plus strand (A>C on the coding strand, the complement: BRCA1 is on the minus strand). VCF-style: chr17-43082464-T-G. GRCh37 (hg19) VCF-style: chr17-41234481-T-G.
Other names: c.847A>C, p.Ile283Leu (NM_001408410.1, NM_001408452.1, NM_001408453.1 and 8 more transcripts); c.910A>C, p.Ile304Leu (NM_001408411.1, NM_001408412.1, NM_001408414.1 and 2 more transcripts); c.907A>C, p.Ile303Leu (NM_001408413.1, NM_001408416.1); c.871A>C, p.Ile291Leu (NM_001408418.1, NM_001408419.1, NM_001408420.1 and 2 more transcripts); c.4174A>C, p.Ile1392Leu (NM_001407679.1, NM_001407680.1, NM_001407863.1 and 13 more transcripts); c.4171A>C, p.Ile1391Leu (NM_001407681.1, NM_001407682.1, NM_001407683.1 and 12 more transcripts); c.4297A>C, p.Ile1433Leu (NM_001407684.1, NM_001407854.1, NM_001407858.1 and 23 more transcripts); c.4168A>C, p.Ile1390Leu (NM_001407685.1, NM_001407686.1, NM_001407687.1 and 2 more transcripts); and 51 more; short protein forms I1320L, I1322L, I1345L, I1362L, I1385L, I1406L, I162L, I262L.
Identifiers: ClinVar variation 3481844 (VCV003481844.1).
Genomic context (GRCh38, chr17:43,082,464, plus strand): 5'-CTTTTTCTGATGTGCTTTGTTCTGGATTTCGCAGGTCCTCAAGGGCAGAAGAGTCACTTA[T>G]GATGGAAGGGTAGCTGTTAGAAGGCTGGCTCCCATGCTGTTCTAACACAGCTTCTAGTTC-3'
Protein context (NP_009225.1, residues 1423-1443): SQPSNSYPSI[Ile1433Leu]SDSSALEDLR

ClinVar aggregate classification (germline): Uncertain significance (1 of 4 stars; one submission).

Conditions:
Hereditary cancer-predisposing syndrome. Also called: Tumor predisposition; Neoplastic Syndromes, Hereditary; Hereditary Cancer Syndrome; Hereditary neoplastic syndrome. Identifiers: Orphanet 140162, MedGen C0027672, MeSH D009386, MONDO:0015356.

Submission:

Ambry Genetics
Classification: Uncertain significance for Hereditary cancer-predisposing syndrome. Last evaluated: 2024-08-17. Review status: criteria provided, single submitter. Criteria: Ambry Variant Classification Scheme 2023. Collection method: clinical testing. Allele origin: germline.
Comment: The p.I1433L variant (also known as c.4297A>C), located in coding exon 11 of the BRCA1 gene, results from an A to C substitution at nucleotide position 4297. The isoleucine at codon 1433 is replaced by leucine, an amino acid with highly similar properties. This amino acid position is conserved. In addition, this alteration is predicted to be tolerated by in silico analysis. Based on the available evidence, the clinical significance of this variant remains unclear.